The following is an entry in ClinVar:

NM_020184.4(CNNM4):c.464A>G (p.Gln155Arg)

Gene: CNNM4 (cyclin and CBS domain divalent metal cation transport mediator 4; plus strand). Cytogenetic location: 2q11.2.
Variant type: single nucleotide variant.
Coding change: c.464A>G on transcript NM_020184.4 (MANE Select); coding-DNA position 464, A replaced by G.
Protein change: p.Gln155Arg; replaces glutamine 155 with arginine.
Molecular consequence: missense variant.
Genome position (GRCh38, 1-based): chr2:96,761,463, A>G. VCF-style: chr2-96761463-A-G. GRCh37 (hg19) VCF-style: chr2-97427200-A-G.
Other names: short protein forms Q155R.
Identifiers: ClinVar variation 1469145 (VCV001469145.5), dbSNP rs2078761593, ClinGen allele CA347713921.
Genomic context (GRCh38, chr2:96,761,463, plus strand): 5'-TCACCAAGTTCCTCCGGAGGAGCGAGAGCATGAAGCTGTATGCACTGTGCACCCGGGCCC[A>G]GCCCGACGGGCCCTGGCTGAAGTGGACGGACAAGGACTCACTGCTCTTCATGGTGGAGGA-3'
Protein context (NP_064569.3, residues 145-165): MKLYALCTRA[Gln155Arg]PDGPWLKWTD

ClinVar aggregate classification (germline): Uncertain significance (1 of 4 stars; one submission).

Allele frequency attached by ClinVar (database versions not stated): gnomAD exomes below 0.00001.
gnomAD v4.1: 4 of 1,614,120 alleles (0.00025%); highest among the groups gnomAD compares: African/African-American, 0.004%; no homozygotes.

Submission:

Labcorp Genetics (formerly Invitae), Labcorp
Classification: Uncertain significance. Last evaluated: 2022-06-27. Review status: criteria provided, single submitter. Criteria: Invitae Variant Classification Sherloc (09022015). Collection method: clinical testing. Allele origin: germline.
Comment: This sequence change replaces glutamine, which is neutral and polar, with arginine, which is basic and polar, at codon 155 of the CNNM4 protein (p.Gln155Arg). This variant is not present in population databases (gnomAD no frequency). This variant has not been reported in the literature in individuals affected with CNNM4-related conditions. Algorithms developed to predict the effect of missense changes on protein structure and function output the following: SIFT: "Tolerated"; PolyPhen-2: "Benign"; Align-GVGD: "Class C0". The arginine amino acid residue is found in multiple mammalian species, which suggests that this missense change does not adversely affect protein function. In summary, the available evidence is currently insufficient to determine the role of this variant in disease. Therefore, it has been classified as a Variant of Uncertain Significance.